The following is an entry in ClinVar:

NM_024685.4(BBS10):c.1490A>T (p.Asp497Val)

Gene: BBS10 (Bardet-Biedl syndrome 10; minus strand). Cytogenetic location: 12q21.2.
Variant type: single nucleotide variant.
Coding change: c.1490A>T on transcript NM_024685.4 (MANE Select); coding-DNA position 1490, A replaced by T.
Protein change: p.Asp497Val; replaces aspartic acid 497 with valine.
Molecular consequence: missense variant.
Genome position (GRCh38, 1-based): chr12:76,346,495, T>A on the plus strand (A>T on the coding strand, the complement: BBS10 is on the minus strand). VCF-style: chr12-76346495-T-A. GRCh37 (hg19) VCF-style: chr12-76740275-T-A.
Other names: c.1490A>T, p.Asp497Val (LRG_1255t1); short protein forms D497V.
Identifiers: ClinVar variation 575861 (VCV000575861.12), dbSNP rs753629989, ClinGen allele CA6694164.

ClinVar aggregate classification (germline): Uncertain significance. Review status: criteria provided, multiple submitters, no conflicts (2 of 4 stars). 5 submissions from 5 submitters: Uncertain significance (4). 1 of the submissions does not count toward it. Last evaluated 2024-10-29.

Conditions:
BBS10-related disorder. Also called: BBS10-related condition.
Inborn genetic diseases. Identifiers: MedGen C0950123, MeSH D030342.
Bardet-Biedl syndrome 10 (BBS10). Identifiers: Orphanet 110, MedGen C1859568, MONDO:0014438, OMIM 615987.
Bardet-Biedl syndrome (BBS). Identifiers: Orphanet 110, MedGen C0752166, MONDO:0015229.

Allele frequency attached by ClinVar (database versions not stated): gnomAD exomes below 0.00001; ExAC 0.00001; gnomAD 0.00005; TOPMed 0.00008.
gnomAD v4.1: 10 of 1,613,952 alleles (0.00062%); highest among the groups gnomAD compares: African/African-American, 0.012%; no homozygotes.

Submissions (5):

PreventionGenetics, part of Exact Sciences
Classification: Uncertain significance for BBS10-related condition. Last evaluated: 2024-10-29. Review status: criteria provided, single submitter. Criteria: ACMG Guidelines, 2015. Collection method: clinical testing. Allele origin: germline.
Comment: The BBS10 c.1490A>T variant is predicted to result in the amino acid substitution p.Asp497Val. To our knowledge, this variant has not been reported in the literature. This variant is reported in 0.0080% of alleles in individuals of African descent in gnomAD. At this time, the clinical significance of this variant is uncertain due to the absence of conclusive functional and genetic evidence.

Ambry Genetics
Classification: Uncertain significance for Inborn genetic diseases. Last evaluated: 2024-05-24. Review status: criteria provided, single submitter. Criteria: Ambry Variant Classification Scheme 2023. Collection method: clinical testing. Allele origin: germline.

Labcorp Genetics (formerly Invitae), Labcorp
Classification: Uncertain significance for Bardet-Biedl syndrome. Last evaluated: 2023-10-16. Review status: criteria provided, single submitter. Criteria: Invitae Variant Classification Sherloc (09022015). Collection method: clinical testing. Allele origin: germline.
Comment: This sequence change replaces aspartic acid, which is acidic and polar, with valine, which is neutral and non-polar, at codon 497 of the BBS10 protein (p.Asp497Val). This variant is present in population databases (rs753629989, gnomAD 0.008%). This variant has not been reported in the literature in individuals affected with BBS10-related conditions. ClinVar contains an entry for this variant (Variation ID: 575861). Advanced modeling of protein sequence and biophysical properties (such as structural, functional, and spatial information, amino acid conservation, physicochemical variation, residue mobility, and thermodynamic stability) performed at Invitae indicates that this missense variant is not expected to disrupt BBS10 protein function. In summary, the available evidence is currently insufficient to determine the role of this variant in disease. Therefore, it has been classified as a Variant of Uncertain Significance.

Fulgent Genetics
Classification: Uncertain significance for Bardet-Biedl syndrome 10. Last evaluated: 2021-12-27. Review status: criteria provided, single submitter. Criteria: ACMG Guidelines, 2015. Collection method: clinical testing. Allele origin: unknown.

Natera, Inc.
Classification: Uncertain significance for Bardet-Biedl syndrome type 10. Last evaluated: 2020-09-16. Review status: no assertion criteria provided. Collection method: clinical testing. Allele origin: germline. Not counted in ClinVar's aggregate classification.